The following is an entry in ClinVar:

NM_017617.5(NOTCH1):c.*2C>T

Gene: NOTCH1 (notch receptor 1; minus strand). Cytogenetic location: 9q34.3.
Variant type: single nucleotide variant.
Coding change: c.*2C>T on transcript NM_017617.5 (MANE Select); 2 bases downstream of the stop codon, C replaced by T.
Molecular consequence: 3 prime UTR variant.
Genome position (GRCh38, 1-based): chr9:136,496,069, G>A on the plus strand (C>T on the coding strand, the complement: NOTCH1 is on the minus strand). VCF-style: chr9-136496069-G-A. GRCh37 (hg19) VCF-style: chr9-139390521-G-A.
Identifiers: ClinVar variation 1216624 (VCV001216624.8), dbSNP rs371575191, ClinGen allele CA5339633.

ClinVar aggregate classification (germline): Likely benign. Review status: criteria provided, multiple submitters, no conflicts (2 of 4 stars). 2 submissions from 2 submitters: Likely benign (2). Last evaluated 2025-04-05.

Allele frequency attached by ClinVar (database versions not stated): gnomAD exomes 0.00020 and 0.00006; ESP Exome Variant Server 0.00008; TOPMed 0.00008; gnomAD 0.00007 and 0.00008; ExAC 0.00010.
gnomAD v4.1: 290 of 1,599,430 alleles (0.018%); highest among the groups gnomAD compares: Non-Finnish European, 0.024%; no homozygotes.

Submissions (2):

Mayo Clinic Laboratories, Mayo Clinic
Classification: Likely benign. Last evaluated: 2025-04-05. Review status: criteria provided, single submitter. Criteria: ACMG Guidelines, 2015. Collection method: clinical testing. Allele origin: germline. Observed: 2 variant alleles.

GeneDx
Classification: Likely benign. Last evaluated: 2024-02-22. Review status: criteria provided, single submitter. Criteria: GeneDx Variant Classification Process June 2021. Collection method: clinical testing. Allele origin: germline. Affected: yes.
Comment: See Variant Classification Assertion Criteria.